The following is an entry in ClinVar:

ClinVar aggregate classification (germline): Conflicting classifications of pathogenicity. Review status: criteria provided, conflicting classifications (1 of 4 stars). 4 submissions from 4 submitters: Pathogenic (1); Likely pathogenic (1); Uncertain significance (2). Last evaluated 2026-08-06.

Conditions:
Intellectual developmental disorder, autosomal dominant 44, with microcephaly. Also called: Micrognathia-recurrent infections-behavioral abnormalities-mild intellectual disability syndrome; TRIO-Related Intellectual Disability. Identifiers: Orphanet 476126, MedGen C4310740, MONDO:0014892, OMIM 617061.

Submissions (4):

OLLIN Analises Genomicas, OLLIN
Classification: Uncertain significance for Intellectual developmental disorder, autosomal dominant 44, with microcephaly. Last evaluated: 2026-08-06. Review status: criteria provided, single submitter. Criteria: ACMG Guidelines 2015 PMID 25741868. Collection method: clinical testing. Allele origin: germline. Inheritance: Autosomal dominant inheritance.
Comment: This missense variant, located in exon 26 (of 57), is absent from gnomAD and has not been identified in the literature. However, it has been reported in ClinVar (accession VCV001700220.3). In silico analysis is inconclusive regarding the impact of this variant. According to the currently available evidence, this variant has been classified as uncertain significance (PM2_P).

GeneDx
Classification: Pathogenic. Last evaluated: 2025-05-02. Review status: criteria provided, single submitter. Criteria: GeneDx Variant Classification Process June 2021. Collection method: clinical testing. Allele origin: germline. Affected: yes.
Comment: Previously reported as a de novo variant in an individual from a large cohort of patients with autism; additional clinical details were not provided (PMID: 33057194); In silico analysis is inconclusive as to whether the variant alters gene splicing. In the absence of RNA/functional studies, the actual effect of this sequence change is unknown.; Not observed at significant frequency in large population cohorts (gnomAD); This variant is associated with the following publications: (PMID: 35982159, 33057194)

Victorian Clinical Genetics Services, Murdoch Childrens Research Institute
Classification: Uncertain significance for Intellectual developmental disorder, autosomal dominant 44, with microcephaly. Last evaluated: 2022-06-24. Review status: criteria provided, single submitter. Criteria: ACMG Guidelines, 2015. Collection method: clinical testing. Allele origin: germline. Inheritance: Autosomal dominant inheritance. Affected: yes.
Comment: Based on the classification scheme VCGS_Germline_v1.3.4, this variant is classified as VUS-3A. Following criteria are met: 0103 - Loss of function and gain of function are known mechanisms of disease in this gene. Null variants and missense within the RhoGEF domain are associated with intellectual developmental disorder with microcephaly (MIM#617061), while gain of function missense variants within the 7th spectrin repeat are associated with intellectual developmental disorder with macrocephaly (PMID: 32109419). (I) 0107 - This gene is associated with autosomal dominant disease. (I) 0200 - Variant is predicted to result in a missense amino acid change from aspartic acid to glycine. (I) 0251 - This variant is heterozygous. (I) 0301 - Variant is absent from gnomAD (both v2 and v3). (SP) 0502 - Missense variant with conflicting in silico predictions and uninformative conservation. (I) 0603 - Missense variant in a region that is highly intolerant to missense variation (high constraint region in DECIPHER). (SP) 0704 - Another missense variant comparable to the one identified in this case has limited previous evidence for pathogenicity. p.(Asp1368Val) was identified as de novo in an individual with developmental delay without microcephaly or macrocephaly (PMID: 23033978). In a later publication, this variant was deemed non-causative in the same individual and a de novo variant in GFPT2 was said to be diagnostic (PMID: 24896178). However, there is currently no Mendelian disease associated with the GFPT2 gene (OMIM, Panelapp Aus). In addition, in vitro and in vivo studies for this variant demonstrated gain of function (PMID: 28928363). (SP) 0807 - This variant has no previous evidence of pathogenicity. (I) 0905 - No published segregation evidence has been identified for this variant. (I) 1007 - No published functional evidence has been identified for this variant. (I) 1207 - Parental origin of the variant is unresolved. (I) Legend: (SP) - Supporting pathogenic, (I) - Information, (SB) - Supporting benign

Centre de Biologie Pathologie Génétique, Centre Hospitalier Universitaire de Lille
Classification: Likely pathogenic for Intellectual developmental disorder, autosomal dominant 44, with microcephaly. Review status: criteria provided, single submitter. Criteria: ACMG Guidelines, 2015. Collection method: clinical testing. Allele origin: unknown. Affected: yes.

Literature cited by the submitters: PubMed 23033978 (cited by Victorian Clinical Genetics Services, Murdoch Childrens Research Institute); PubMed 24896178 (cited by Victorian Clinical Genetics Services, Murdoch Childrens Research Institute); PubMed 28928363 (cited by Victorian Clinical Genetics Services, Murdoch Childrens Research Institute); PubMed 32109419 (cited by Victorian Clinical Genetics Services, Murdoch Childrens Research Institute).

NM_007118.4(TRIO):c.4103A>G (p.Asp1368Gly)

Gene: TRIO (trio Rho guanine nucleotide exchange factor; plus strand). Cytogenetic location: 5p15.2.
Variant type: single nucleotide variant.
Coding change: c.4103A>G on transcript NM_007118.4 (MANE Select); coding-DNA position 4103, A replaced by G.
Protein change: p.Asp1368Gly; replaces aspartic acid 1368 with glycine.
Molecular consequence: missense variant. On other transcripts: non-coding transcript variant (1).
Genome position (GRCh38, 1-based): chr5:14,390,275, A>G. VCF-style: chr5-14390275-A-G. GRCh37 (hg19) VCF-style: chr5-14390384-A-G.
Other names: c.4103A>G (NM_007118.2, NM_007118.3); short protein forms D1368G.
Identifiers: ClinVar variation 1700220 (VCV001700220.4), dbSNP rs2152363791, ClinGen allele CA359230618.